The following is an entry in ClinVar:

NM_014334.4(FRRS1L):c.626C>T (p.Pro209Leu)

Gene: FRRS1L (ferric chelate reductase 1 like; minus strand). Cytogenetic location: 9q31.3.
Variant type: single nucleotide variant.
Coding change: c.626C>T on transcript NM_014334.4 (MANE Select); coding-DNA position 626, C replaced by T.
Protein change: p.Pro209Leu; replaces proline 209 with leucine.
Molecular consequence: missense variant.
Genome position (GRCh38, 1-based): chr9:109,141,426, G>A on the plus strand (C>T on the coding strand, the complement: FRRS1L is on the minus strand). VCF-style: chr9-109141426-G-A. GRCh37 (hg19) VCF-style: chr9-111903706-G-A.
Other names: short protein forms P209L.
Identifiers: ClinVar variation 1504367 (VCV001504367.8), dbSNP rs2118467636, ClinGen allele CA374424005.

ClinVar aggregate classification (germline): Uncertain significance (1 of 4 stars; one submission).

Conditions:
Developmental and epileptic encephalopathy, 37 (DEE37). Also called: Epileptic encephalopathy, early infantile, 37. Identifiers: MedGen C4310770, MONDO:0014859, OMIM 616981.

Allele frequency attached by ClinVar (database versions not stated): gnomAD exomes below 0.00001.
gnomAD v4.1: 1 of 1,614,068 alleles (0.000062%); highest among the groups gnomAD compares: Non-Finnish European, 0.000085%; no homozygotes.

Submission:

Labcorp Genetics (formerly Invitae), Labcorp
Classification: Uncertain significance for Developmental and epileptic encephalopathy, 37. Last evaluated: 2021-06-18. Review status: criteria provided, single submitter. Criteria: Invitae Variant Classification Sherloc (09022015). Collection method: clinical testing. Allele origin: germline.
Comment: In summary, the available evidence is currently insufficient to determine the role of this variant in disease. Therefore, it has been classified as a Variant of Uncertain Significance. Algorithms developed to predict the effect of missense changes on protein structure and function (SIFT, PolyPhen-2, Align-GVGD) all suggest that this variant is likely to be tolerated, but these predictions have not been confirmed by published functional studies and their clinical significance is uncertain. This variant has not been reported in the literature in individuals with FRRS1L-related conditions. This variant is not present in population databases (ExAC no frequency). This sequence change replaces proline with leucine at codon 260 of the FRRS1L protein (p.Pro260Leu). The proline residue is highly conserved and there is a moderate physicochemical difference between proline and leucine.